The following is an entry in ClinVar:

ClinVar aggregate classification (germline): Likely pathogenic (1 of 4 stars; one submission).

Conditions:
Methylmalonic aciduria due to methylmalonyl-CoA mutase deficiency (MAMM). Also called: Methylmalonic aciduria, mut type. Identifiers: Orphanet 27, MedGen C1855114, MONDO:0009612, OMIM 251000.

Submission:

Myriad Genetics, Inc.
Classification: Likely pathogenic for Methylmalonic aciduria due to methylmalonyl-CoA mutase deficiency. Last evaluated: 2021-12-20. Review status: criteria provided, single submitter. Criteria: Myriad Women's Health Autosomal Recessive and X-Linked Classification Criteria (2021). Collection method: clinical testing. Allele origin: unknown.
Comment: NM_000255.3(MMUT):c.1525_1526delTC(V510Afs*6) is expected to be pathogenic in the context of methylmalonic acidemia, MMUT-related. This variant is predicted to lead to an abnormal or absent protein product due to the creation of a premature termination codon in MMUT, a gene where loss-of-function variants are known to be pathogenic. Please note: this variant was assessed in the context of healthy population screening.

NM_000255.4(MMUT):c.1525_1526del (p.Val510fs)

Gene: MMUT (methylmalonyl-CoA mutase; minus strand). Cytogenetic location: 6p12.3.
Variant type: Deletion.
Coding change: c.1525_1526del on transcript NM_000255.4 (MANE Select); coding-DNA positions 1525 to 1526, 2 bases deleted (TC; older notation c.1525_1526delTC).
Protein change: p.Val510fs; shifts the reading frame from valine 510.
Molecular consequence: frameshift variant.
Genome position (GRCh38, 1-based): chr6:49,447,704-49,447,705, GA deleted on the plus strand (TC on the coding strand, the reverse complement: MMUT is on the minus strand). VCF-style (leftmost placement, unchanged base first): chr6-49447703-TGA-T. GRCh37 (hg19) VCF-style: chr6-49415416-TGA-T.
Other names: short protein forms V510fs.
Identifiers: ClinVar variation 1726546 (VCV001726546.2), dbSNP rs2481326703, ClinGen allele CA2580074719.
Genomic context (GRCh38, chr6:49,447,703, plus strand): 5'-AAAAAAAAAAAAGCAAGCTATTAATACCTTCTTAAGTTTTTCAATCTGCCTGTTTCGCAC[TGA>T]AGTATTATCAATTGCCAGAACTTCTACAGCGTCTTCTTTTTCCAACTGGTACTTATTTAC-3'